The following is an entry in ClinVar:

NM_001145358.2(SIN3A):c.473+4A>G

Gene: SIN3A (SIN3 transcription regulator family member A; minus strand). Cytogenetic location: 15q24.2.
Variant type: single nucleotide variant.
Coding change: c.473+4A>G on transcript NM_001145358.2 (MANE Select); 4 bases into the intron after coding-DNA position 473, A replaced by G.
Molecular consequence: intron variant.
Genome position (GRCh38, 1-based): chr15:75,414,201, T>C on the plus strand (A>G on the coding strand, the complement: SIN3A is on the minus strand). VCF-style: chr15-75414201-T-C. GRCh37 (hg19) VCF-style: chr15-75706542-T-C.
Other names: c.473+4A>G (NM_001145357.2, NM_015477.3).
Identifiers: ClinVar variation 3898859 (VCV003898859.2).
Genomic context (GRCh38, chr15:75,414,201, plus strand): 5'-ATCCTCTTCCTTCCAAAATCAATATGCCAGATACAAAGCTTGAGTACAATCACACATCTT[T>C]TACCTCTGAGATTTAAATTCCTTCATGATGTCAAGGAAATCATTGTAGACCTGAGGCTGA-3'

ClinVar aggregate classification (germline): Uncertain significance (1 of 4 stars; one submission).

Submission:

GeneDx
Classification: Uncertain significance. Last evaluated: 2026-10-09. Review status: criteria provided, single submitter. Criteria: GeneDx Variant Classification Process June 2021. Collection method: clinical testing. Allele origin: germline.
Comment: Not observed at significant frequency in large population cohorts (gnomAD); In silico analysis suggests that this variant does not alter splicing; Has not been previously published as pathogenic or benign to our knowledge